The following is an entry in ClinVar:

NM_001371928.1(AHDC1):c.4562T>C (p.Met1521Thr)

Gene: AHDC1 (AT-hook DNA binding motif containing 1; minus strand). Cytogenetic location: 1p36.11.
Variant type: single nucleotide variant.
Coding change: c.4562T>C on transcript NM_001371928.1 (MANE Select); coding-DNA position 4562, T replaced by C.
Protein change: p.Met1521Thr; replaces methionine 1521 with threonine.
Molecular consequence: missense variant.
Genome position (GRCh38, 1-based): chr1:27,547,554, A>G on the plus strand (T>C on the coding strand, the complement: AHDC1 is on the minus strand). VCF-style: chr1-27547554-A-G. GRCh37 (hg19) VCF-style: chr1-27874065-A-G.
Other names: c.4562T>C, p.Met1521Thr (NM_001029882.3); short protein forms M1521T.
Identifiers: ClinVar variation 1030033 (VCV001030033.6), dbSNP rs1363372692, ClinGen allele CA339220784.
Genomic context (GRCh38, chr1:27,547,554, plus strand): 5'-GGGCAGCCATAGCCAGCAGCGGCTGCAGCAGGGCCACGGGGTGGGCCAGGGGGCCGGGCC[A>G]TTTCCAGTGGCTCCTTGTCGGCCTTGGGCGTGGCTGGTGGGCTAGCCAGGTGAGGGGCAC-3'
Protein context (NP_001358857.1, residues 1511-1531): TPKADKEPLE[Met1521Thr]ARPPGPPRGP

ClinVar aggregate classification (germline): Uncertain significance. Review status: criteria provided, multiple submitters, no conflicts (2 of 4 stars). 3 submissions from 3 submitters: Uncertain significance (3). Last evaluated 2022-10-11.

Conditions:
AHDC1-related intellectual disability - obstructive sleep apnea - mild dysmorphism syndrome. Also called: Xia-Gibbs syndrome. Identifiers: Orphanet 412069, MedGen C4014419, MONDO:0014358, OMIM 615829.

Allele frequency attached by ClinVar (database versions not stated): gnomAD exomes below 0.00001; gnomAD 0.00001; TOPMed 0.00001.

Submissions (3):

Greenwood Genetic Center Diagnostic Laboratories, Greenwood Genetic Center
Classification: Uncertain significance. Last evaluated: 2022-10-11. Review status: criteria provided, single submitter. Criteria: ACMG Guidelines, 2015. Collection method: clinical testing. Allele origin: germline. Affected: yes.
Comment: PM2

GeneDx
Classification: Uncertain significance. Last evaluated: 2022-05-19. Review status: criteria provided, single submitter. Criteria: GeneDx Variant Classification Process June 2021. Collection method: clinical testing. Allele origin: germline. Affected: yes.
Comment: Not observed at significant frequency in large population cohorts (gnomAD); In silico analysis supports that this missense variant does not alter protein structure/function; Has not been previously published as pathogenic or benign to our knowledge

Baylor Genetics
Classification: Uncertain significance for AHDC1-related intellectual disability - obstructive sleep apnea - mild dysmorphism syndrome. Last evaluated: 2020-06-03. Review status: criteria provided, single submitter. Criteria: ACMG Guidelines, 2015. Collection method: clinical testing. Allele origin: unknown. Affected: yes.
Comment: This variant was determined to be of uncertain significance according to ACMG Guidelines, 2015 [PMID:25741868].